The following is an entry in ClinVar:

NM_000719.7(CACNA1C):c.4074+6C>T

Gene: CACNA1C (calcium voltage-gated channel subunit alpha1 C; plus strand). Cytogenetic location: 12p13.33.
Variant type: single nucleotide variant.
Coding change: c.4074+6C>T on transcript NM_000719.7 (MANE Select); 6 bases into the intron after coding-DNA position 4074, C replaced by T.
Molecular consequence: intron variant.
Genome position (GRCh38, 1-based): chr12:2,651,774, C>T. VCF-style: chr12-2651774-C-T. GRCh37 (hg19) VCF-style: chr12-2760940-C-T.
Other names: c.4074+6C>T (NM_001167624.3, NM_001167623.2, NM_001129840.2 and 7 more transcripts); c.4041+6C>T (NM_001167625.2, NM_001129837.2, NM_001129838.2 and 1 more transcripts); c.4218+6C>T (NM_199460.4, NM_001129827.2); c.4134+6C>T (NM_001129832.2); c.4158+6C>T (NM_001129831.2); c.4140+6C>T (NM_001129829.2); c.4035+6C>T (NM_001129839.2); c.4125+6C>T (NM_001129836.2); and 1 more.
Identifiers: ClinVar variation 1378314 (VCV001378314.11), dbSNP rs762974366, ClinGen allele CA6389442.
Genomic context (GRCh38, chr12:2,651,774, plus strand): 5'-GAGCCGTGGGGAGGGCATCCGGACGCTGCTGTGGACCTTCATCAAGTCCTTCCAGGTAGC[C>T]GCCCCTCATGTCCTGCGGCCCGGGGAATCGCAGGGCTGCCGCGTGGCCCAGAACACAGCT-3'

ClinVar aggregate classification (germline): Conflicting classifications of pathogenicity. Review status: criteria provided, conflicting classifications (1 of 4 stars). 3 submissions from 3 submitters: Uncertain significance (2); Likely benign (1). Last evaluated 2026-01-15.

Conditions:
Long QT syndrome 8. Identifiers: MedGen CN260585, MONDO:0032756, OMIM 618447.
Long QT syndrome (LQTS). Identifiers: MedGen C0023976, MeSH D008133, MONDO:0002442. Disease mechanism: loss of function. Inheritance: Various modes of inheritance.

Allele frequency attached by ClinVar (database versions not stated): ExAC 0.00001; gnomAD 0.00001; gnomAD exomes 0.00001 and 0.00002; TOPMed 0.00002.
gnomAD v4.1: 25 of 1,595,810 alleles (0.0016%); highest among the groups gnomAD compares: East Asian, 0.011%; no homozygotes.

Submissions (3):

Labcorp Genetics (formerly Invitae), Labcorp
Classification: Uncertain significance for Long QT syndrome. Last evaluated: 2026-01-15. Review status: criteria provided, single submitter. Criteria: Invitae Variant Classification Sherloc (09022015). Collection method: clinical testing. Allele origin: germline.
Comment: This sequence change falls in intron 32 of the CACNA1C gene. It does not directly change the encoded amino acid sequence of the CACNA1C protein. It affects a nucleotide within the consensus splice site. The frequency data for this variant in the population databases is considered unreliable, as metrics indicate poor data quality at this position in the gnomAD database. This variant has been observed in individual(s) with dilated cardiomyopathy and/or heart failure (PMID: 28878402, 29754768). ClinVar contains an entry for this variant (Variation ID: 1378314). Variants that disrupt the consensus splice site are a relatively common cause of aberrant splicing (PMID: 17576681, 9536098). Algorithms developed to predict the effect of sequence changes on RNA splicing suggest that this variant is not likely to affect RNA splicing. In summary, the available evidence is currently insufficient to determine the role of this variant in disease. Therefore, it has been classified as a Variant of Uncertain Significance.

GeneDx
Classification: Likely benign. Last evaluated: 2020-11-04. Review status: criteria provided, single submitter. Criteria: GeneDx Variant Classification Process June 2021. Collection method: clinical testing. Allele origin: germline. Affected: yes.
Comment: See Variant Classification Assertion Criteria.

Victorian Clinical Genetics Services, Murdoch Childrens Research Institute
Classification: Uncertain significance for Long QT syndrome 8. Last evaluated: 2020-10-19. Review status: criteria provided, single submitter. Criteria: ACMG Guidelines, 2015. Collection method: clinical testing. Allele origin: germline. Inheritance: Autosomal dominant inheritance. Affected: yes.
Comment: Based on the classification scheme VCGS_Germline_v1.3.3, this variant is classified as VUS - 3C. Following criteria are met: 0101 - Gain of function is a known mechanism of disease in this gene and is associated with Long QT syndrome 8 (MIM #618447), and Timothy syndrome (MIM#601005). Missense variants result in loss of channel inactivation, and increased window current (OMIM, PMID: 25260352). (I) 0107 - This gene is associated with autosomal dominant disease. (I) 0212 - Non-canonical splice site variant without proven consequence on splicing (no functional evidence available). (SP) 0251 - This variant is heterozygous. (I) 0302 - Variant is present in gnomAD (v2) <0.001 for a dominant condition (4 heterozygotes, 0 homozygotes). (SP) 0506 - Abnormal splicing is not predicted and nucleotide is poorly conserved. (SB) 0705 - No comparable splice variants have previous evidence for pathogenicity. (I) 0809 - Previous evidence of pathogenicity for this variant is inconclusive. This variant has been reported as a VUS, and observed in two families with cardiac abnormalities. In one of the families, an alternative diagnosis was discovered (PMID: 29754768, PMID: 28878402). (I) 0905 - No published segregation evidence has been identified for this variant. (I) 1007 - No published functional evidence has been identified for this variant. (I) 1208 - Inheritance information for this variant is not currently available in this individual. (I) Legend: (SP) - Supporting pathogenic, (I) - Information, (SB) - Supporting benign

Literature cited by the submitters: PubMed 28878402 (cited by Labcorp Genetics (formerly Invitae), Labcorp and Victorian Clinical Genetics Services, Murdoch Childrens Research Institute); PubMed 29754768 (cited by Labcorp Genetics (formerly Invitae), Labcorp and Victorian Clinical Genetics Services, Murdoch Childrens Research Institute); PubMed 17576681 (cited by Labcorp Genetics (formerly Invitae), Labcorp); PubMed 9536098 (cited by Labcorp Genetics (formerly Invitae), Labcorp); PubMed 25260352 (cited by Victorian Clinical Genetics Services, Murdoch Childrens Research Institute).